The following is an entry in ClinVar:

ClinVar aggregate classification (germline): Uncertain significance (1 of 4 stars; one submission).

Submission:

GeneDx
Classification: Uncertain significance. Last evaluated: 2022-12-05. Review status: criteria provided, single submitter. Criteria: GeneDx Variant Classification Process June 2021. Collection method: clinical testing. Allele origin: germline. Affected: yes.
Comment: Not observed at significant frequency in large population cohorts (gnomAD); In silico analysis supports that this missense variant has a deleterious effect on protein structure/function; Has not been previously published as pathogenic or benign to our knowledge

NM_001330588.2(TPP2):c.1309T>C (p.Trp437Arg)

Gene: TPP2 (tripeptidyl peptidase 2; plus strand). Cytogenetic location: 13q33.1.
Variant type: single nucleotide variant.
Coding change: c.1309T>C on transcript NM_001330588.2 (MANE Select); coding-DNA position 1309, T replaced by C.
Protein change: p.Trp437Arg; replaces tryptophan 437 with arginine.
Molecular consequence: missense variant. On other transcripts: non-coding transcript variant (1).
Genome position (GRCh38, 1-based): chr13:102,634,014, T>C. VCF-style: chr13-102634014-T-C. GRCh37 (hg19) VCF-style: chr13-103286364-T-C.
Other names: c.1309T>C, p.Trp437Arg (NM_001367947.1, NM_003291.4); short protein forms W437R.
Identifiers: ClinVar variation 1801977 (VCV001801977.1), dbSNP rs2503974226, ClinGen allele CA388485484.